The following is an entry in ClinVar:

ClinVar aggregate classification (germline): Benign. Review status: criteria provided, single submitter (1 of 4 stars). 2 submissions from 2 submitters: Benign (1). 1 of the submissions does not count toward it. Last evaluated 2019-12-31.

Conditions:
ABCA7-related disorder. Also called: ABCA7-related condition.

Allele frequency attached by ClinVar (database versions not stated): gnomAD exomes 0.00044 and 0.00103; ExAC 0.00103; ESP Exome Variant Server 0.00308; gnomAD 0.00320 and 0.00335; TOPMed 0.00334; 1000 Genomes Project 30x 0.00437; 1000 Genomes Project 0.00479.
gnomAD v4.1: 1,120 of 1,577,746 alleles (0.071%); highest among the groups gnomAD compares: African/African-American, 1.1%; 5 homozygotes.

Submissions (2):

Labcorp Genetics (formerly Invitae), Labcorp
Classification: Benign. Last evaluated: 2019-12-31. Review status: criteria provided, single submitter. Criteria: Invitae Variant Classification Sherloc (09022015). Collection method: clinical testing. Allele origin: germline.

PreventionGenetics, part of Exact Sciences
Classification: Benign for ABCA7-related condition. Last evaluated: 2019-05-24. Review status: no assertion criteria provided. Collection method: clinical testing. Allele origin: germline. Not counted in ClinVar's aggregate classification.
Comment: This variant is classified as benign based on ACMG/AMP sequence variant interpretation guidelines (Richards et al. 2015 PMID: 25741868, with internal and published modifications).

NM_019112.4(ABCA7):c.5309G>A (p.Gly1770Glu)

Gene: ABCA7 (ATP binding cassette subfamily A member 7; plus strand). Cytogenetic location: 19p13.3.
Variant type: single nucleotide variant.
Coding change: c.5309G>A on transcript NM_019112.4 (MANE Select); coding-DNA position 5309, G replaced by A.
Protein change: p.Gly1770Glu; replaces glycine 1770 with glutamic acid.
Molecular consequence: missense variant.
Genome position (GRCh38, 1-based): chr19:1,058,849, G>A. VCF-style: chr19-1058849-G-A. GRCh37 (hg19) VCF-style: chr19-1058848-G-A.
Other names: short protein forms G1770E.
Identifiers: ClinVar variation 715741 (VCV000715741.6), dbSNP rs139765732, ClinGen allele CA9034781.